The following is an entry in ClinVar:

ClinVar aggregate classification (germline): Uncertain significance (1 of 4 stars; one submission).

Conditions:
Holocarboxylase synthetase deficiency. Also called: MULTIPLE CARBOXYLASE DEFICIENCY, EARLY ONSET. Identifiers: Orphanet 79242, MedGen C0268581, MONDO:0009666, OMIM 253270.

gnomAD v4.1: 1 of 1,614,102 alleles (0.000062%); highest among the groups gnomAD compares: Non-Finnish European, 0.000085%; no homozygotes.

Submission:

Labcorp Genetics (formerly Invitae), Labcorp
Classification: Uncertain significance for Holocarboxylase synthetase deficiency. Last evaluated: 2022-03-16. Review status: criteria provided, single submitter. Criteria: Invitae Variant Classification Sherloc (09022015). Collection method: clinical testing. Allele origin: germline.
Comment: This sequence change replaces arginine, which is basic and polar, with threonine, which is neutral and polar, at codon 365 of the HLCS protein (p.Arg365Thr). This variant is present in population databases (no rsID available, gnomAD 0.004%). This variant has not been reported in the literature in individuals affected with HLCS-related conditions. Advanced modeling of protein sequence and biophysical properties (such as structural, functional, and spatial information, amino acid conservation, physicochemical variation, residue mobility, and thermodynamic stability) performed at Invitae indicates that this missense variant is not expected to disrupt HLCS protein function. In summary, the available evidence is currently insufficient to determine the role of this variant in disease. Therefore, it has been classified as a Variant of Uncertain Significance.

NM_001352514.2(HLCS):c.1535G>C (p.Arg512Thr)

Gene: HLCS (holocarboxylase synthetase; minus strand). Cytogenetic location: 21q22.13.
Variant type: single nucleotide variant.
Coding change: c.1535G>C on transcript NM_001352514.2 (MANE Select); coding-DNA position 1535, G replaced by C.
Protein change: p.Arg512Thr; replaces arginine 512 with threonine.
Molecular consequence: missense variant. On other transcripts: non-coding transcript variant (2).
Genome position (GRCh38, 1-based): chr21:36,930,336, C>G on the plus strand (G>C on the coding strand, the complement: HLCS is on the minus strand). VCF-style: chr21-36930336-C-G. GRCh37 (hg19) VCF-style: chr21-38302636-C-G.
Other names: c.1094G>C, p.Arg365Thr (NM_000411.8, NM_001242784.3, NM_001242785.2 and 4 more transcripts); short protein forms R512T, R365T.
Identifiers: ClinVar variation 2113095 (VCV002113095.4), dbSNP rs747688148, ClinGen allele CA409911324.
Genomic context (GRCh38, chr21:36,930,336, plus strand): 5'-GGAGTTAAGGCAGGAACTTGTTTCATGTCACAGCTGAGGCCAAGGGTTGTCAGAATCTCT[C>G]TAAGGACTTCGTATCTTCTAAAATTGCTTGACTTGAGCAAGTTAAAATCTTCTGGAGTTT-3'
Protein context (NP_001339443.1, residues 502-522): SSNFRRYEVL[Arg512Thr]EILTTLGLSC